The following is an entry in ClinVar:

ClinVar aggregate classification (germline): Uncertain significance (1 of 4 stars; one submission).

Conditions:
Epilepsy, familial adult myoclonic, 5 (EPEO5). Also called: CORTICAL MYOCLONIC TREMOR WITH EPILEPSY, FAMILIAL, 5. Identifiers: Orphanet 86814, MedGen C3809374, MONDO:0014167, OMIM 615400.

Submission:

Labcorp Genetics (formerly Invitae), Labcorp
Classification: Uncertain significance for Epilepsy, familial adult myoclonic, 5. Last evaluated: 2024-10-30. Review status: criteria provided, single submitter. Criteria: Invitae Variant Classification Sherloc (09022015). Collection method: clinical testing. Allele origin: germline.
Comment: This sequence change replaces alanine, which is neutral and non-polar, with glycine, which is neutral and non-polar, at codon 431 of the CNTN2 protein (p.Ala431Gly). This variant is not present in population databases (gnomAD no frequency). This variant has not been reported in the literature in individuals affected with CNTN2-related conditions. ClinVar contains an entry for this variant (Variation ID: 1460842). Invitae Evidence Modeling of protein sequence and biophysical properties (such as structural, functional, and spatial information, amino acid conservation, physicochemical variation, residue mobility, and thermodynamic stability) indicates that this missense variant is not expected to disrupt CNTN2 protein function with a negative predictive value of 95%. In summary, the available evidence is currently insufficient to determine the role of this variant in disease. Therefore, it has been classified as a Variant of Uncertain Significance.

NM_005076.5(CNTN2):c.1292C>G (p.Ala431Gly)

Gene: CNTN2 (contactin 2; plus strand). Cytogenetic location: 1q32.1.
Variant type: single nucleotide variant.
Coding change: c.1292C>G on transcript NM_005076.5 (MANE Select); coding-DNA position 1292, C replaced by G.
Protein change: p.Ala431Gly; replaces alanine 431 with glycine.
Molecular consequence: missense variant. On other transcripts: non-coding transcript variant (1).
Genome position (GRCh38, 1-based): chr1:205,064,373, C>G. VCF-style: chr1-205064373-C-G. GRCh37 (hg19) VCF-style: chr1-205033501-C-G.
Other names: c.1292C>G, p.Ala431Gly (NM_001346083.2); short protein forms A431G.
Identifiers: ClinVar variation 1460842 (VCV001460842.6), dbSNP rs2151194175, ClinGen allele CA344374774.